The following is an entry in ClinVar:

NM_001277062.2(MFF):c.678A>G (p.Ile226Met)

Gene: MFF (mitochondrial fission factor; plus strand). Cytogenetic location: 2q36.3.
Variant type: single nucleotide variant.
Coding change: c.678A>G on transcript NM_001277062.2 (MANE Select); coding-DNA position 678, A replaced by G.
Protein change: p.Ile226Met; replaces isoleucine 226 with methionine.
Molecular consequence: missense variant. On other transcripts: non-coding transcript variant (1).
Genome position (GRCh38, 1-based): chr2:227,355,695, A>G. VCF-style: chr2-227355695-A-G. GRCh37 (hg19) VCF-style: chr2-228220411-A-G.
Other names: c.831A>G, p.Ile277Met (NM_001277061.2, NM_020194.5); c.534A>G, p.Ile178Met (NM_001277063.2); c.519A>G, p.Ile173Met (NM_001277064.2); c.459A>G, p.Ile153Met (NM_001277065.2, NM_001277066.2); c.468A>G, p.Ile156Met (NM_001277067.1); c.561A>G, p.Ile187Met (NM_001277068.1); short protein forms I153M, I187M, I226M, I277M, I156M, I173M, I178M.
Identifiers: ClinVar variation 1033937 (VCV001033937.1), dbSNP rs756607883, ClinGen allele CA2148047.

ClinVar aggregate classification (germline): Uncertain significance (1 of 4 stars; one submission).

Conditions:
Encephalopathy due to defective mitochondrial and peroxisomal fission 2 (EMPF2). Identifiers: Orphanet 485421, MedGen C4310726, MONDO:0014905, OMIM 617086.

Allele frequency attached by ClinVar (database versions not stated): gnomAD 0.00001; gnomAD exomes 0.00001 and 0.00003; TOPMed 0.00001; ExAC 0.00002.
gnomAD v4.1: 44 of 1,608,750 alleles (0.0027%); highest among the groups gnomAD compares: Non-Finnish European, 0.0036%; no homozygotes.

Submission:

Baylor Genetics
Classification: Uncertain significance for Encephalopathy due to defective mitochondrial and peroxisomal fission 2. Last evaluated: 2018-05-16. Review status: criteria provided, single submitter. Criteria: ACMG Guidelines, 2015. Collection method: clinical testing. Allele origin: unknown. Affected: yes.
Comment: This variant was determined to be of uncertain significance according to ACMG Guidelines, 2015 [PMID:25741868].